The following is an entry in ClinVar:

ClinVar aggregate classification (germline): Conflicting classifications of pathogenicity. Review status: criteria provided, conflicting classifications (1 of 4 stars). 2 submissions from 2 submitters: Uncertain significance (1); Likely benign (1). Last evaluated 2022-06-14.

Conditions:
Nemaline myopathy 2 (NEM2). Also called: Nemaline myopathy 2, autosomal recessive. Identifiers: MedGen C1850569, MONDO:0009725, OMIM 256030.

Submissions (2):

Labcorp Genetics (formerly Invitae), Labcorp
Classification: Uncertain significance for Nemaline myopathy 2. Last evaluated: 2022-06-14. Review status: criteria provided, single submitter. Criteria: Invitae Variant Classification Sherloc (09022015). Collection method: clinical testing. Allele origin: germline.
Comment: In summary, the available evidence is currently insufficient to determine the role of this variant in disease. Therefore, it has been classified as a Variant of Uncertain Significance. Algorithms developed to predict the effect of sequence changes on RNA splicing suggest that this variant may create or strengthen a splice site. ClinVar contains an entry for this variant (Variation ID: 514902). This variant has not been reported in the literature in individuals affected with NEB-related conditions. This variant is present in population databases (rs768751352, gnomAD 0.01%). This sequence change falls in intron 123 of the NEB gene. It does not directly change the encoded amino acid sequence of the NEB protein.

GeneDx
Classification: Likely benign. Last evaluated: 2018-02-08. Review status: criteria provided, single submitter. Criteria: GeneDx Variant Classification (06012015). Collection method: clinical testing. Allele origin: germline. Affected: yes.
Comment: This variant is considered likely benign or benign based on one or more of the following criteria: it is a conservative change, it occurs at a poorly conserved position in the protein, it is predicted to be benign by multiple in silico algorithms, and/or has population frequency not consistent with disease.

NM_001164508.2(NEB):c.19207-20_19207-18del

Gene: NEB (nebulin; minus strand). Cytogenetic location: 2q23.3.
Variant type: Microsatellite.
Coding change: c.19207-20_19207-18del on transcript NM_001164508.2 (MANE Select); 20 bases into the intron before coding-DNA position 19207 through 18 bases into the intron before coding-DNA position 19207, 3 bases deleted (AAG; older notation c.19207-20_19207-18delAAG).
Molecular consequence: intron variant.
Genome position (GRCh38, 1-based): chr2:151,560,717-151,560,719, CTT deleted on the plus strand (AAG on the coding strand, the reverse complement: NEB is on the minus strand); deleting any 3 consecutive bases within chr2:151,560,717-151,560,722 gives the same sequence; the c. name uses the placement nearest the transcript's 3' end. VCF-style (leftmost placement, unchanged base first): chr2-151560716-CCTT-C. GRCh37 (hg19) VCF-style: chr2-152417230-CCTT-C.
Other names: c.14104-20_14104-18del (NM_004543.5); c.19207-20_19207-18del (NM_001164507.2, NM_001271208.2); c.19207-20_19207-18delAAG (NM_001271208.1).
Identifiers: ClinVar variation 514902 (VCV000514902.7), dbSNP rs768751352, ClinGen allele CA1907721.